The following is an entry in ClinVar:

ClinVar aggregate classification (germline): Pathogenic (1 of 4 stars; one submission).

Conditions:
Hereditary cancer-predisposing syndrome. Also called: Neoplastic Syndromes, Hereditary; Tumor predisposition; Hereditary Cancer Syndrome; Hereditary neoplastic syndrome. Identifiers: Orphanet 140162, MedGen C0027672, MeSH D009386, MONDO:0015356.

Submission:

Color Diagnostics, LLC DBA Color Health
Classification: Pathogenic for Hereditary cancer-predisposing syndrome. Last evaluated: 2020-01-15. Review status: criteria provided, single submitter. Criteria: ACMG Guidelines, 2015. Collection method: clinical testing. Allele origin: germline.
Comment: This variant changes 1 nucleotide in exon 14 of the ATM gene, creating a premature translation stop signal. This variant is expected to result in an absent or non-functional protein product. This variant has not been identified in the general population by the Genome Aggregation Database (gnomAD). Loss of ATM function is a known mechanism of disease. Based on the available evidence, this variant is classified as Pathogenic.

NM_000051.4(ATM):c.2156C>A (p.Ser719Ter)

Gene: ATM (ATM serine/threonine kinase; plus strand). Cytogenetic location: 11q22.3.
Variant type: single nucleotide variant.
Coding change: c.2156C>A on transcript NM_000051.4 (MANE Select); coding-DNA position 2156, C replaced by A.
Protein change: p.Ser719Ter; replaces serine 719 with a stop codon.
Molecular consequence: nonsense.
Genome position (GRCh38, 1-based): chr11:108,256,246, C>A. VCF-style: chr11-108256246-C-A. GRCh37 (hg19) VCF-style: chr11-108126973-C-A.
Other names: c.2156C>A, p.Ser719Ter (NM_001351834.2); short protein forms S719*.
Identifiers: ClinVar variation 920975 (VCV000920975.3), dbSNP rs2080475075, ClinGen allele CA382538746.